The following is an entry in ClinVar:

NM_001278116.2(L1CAM):c.179G>T (p.Ser60Ile)

Gene: L1CAM (L1 cell adhesion molecule; minus strand). Cytogenetic location: Xq28.
Variant type: single nucleotide variant.
Coding change: c.179G>T on transcript NM_001278116.2 (MANE Select); coding-DNA position 179, G replaced by T.
Protein change: p.Ser60Ile; replaces serine 60 with isoleucine.
Molecular consequence: missense variant.
Genome position (GRCh38, 1-based): chrX:153,872,610, C>A on the plus strand (G>T on the coding strand, the complement: L1CAM is on the minus strand). VCF-style: chrX-153872610-C-A. GRCh37 (hg19) VCF-style: chrX-153138065-C-A.
Other names: c.179G>T (NM_000425.3); c.179G>T, p.Ser60Ile (NM_000425.5, NM_024003.3); c.164G>T, p.Ser55Ile (NM_001143963.2); short protein forms S60I, S55I.
Identifiers: ClinVar variation 2115162 (VCV002115162.5), dbSNP rs2521038376, ClinGen allele CA415139901.

ClinVar aggregate classification (germline): Conflicting classifications of pathogenicity. Review status: criteria provided, conflicting classifications (1 of 4 stars). 2 submissions from 2 submitters: Likely pathogenic (1); Uncertain significance (1). Last evaluated 2023-06-24.

Conditions:
Spastic paraplegia. Identifiers: MedGen C0037772, HP:0001258.

Submissions (2):

GeneDx
Classification: Likely pathogenic. Last evaluated: 2023-06-24. Review status: criteria provided, single submitter. Criteria: GeneDx Variant Classification Process June 2021. Collection method: clinical testing. Allele origin: germline. Affected: yes.
Comment: Not observed in large population cohorts (gnomAD); In silico analysis, which includes protein predictors and evolutionary conservation, supports a deleterious effect; Has not been previously published as pathogenic or benign to our knowledge; This variant is associated with the following publications: (PMID: 25641508)

Labcorp Genetics (formerly Invitae), Labcorp
Classification: Uncertain significance for Spastic paraplegia. Last evaluated: 2022-06-22. Review status: criteria provided, single submitter. Criteria: Invitae Variant Classification Sherloc (09022015). Collection method: clinical testing. Allele origin: germline.
Comment: This sequence change replaces serine, which is neutral and polar, with isoleucine, which is neutral and non-polar, at codon 60 of the L1CAM protein (p.Ser60Ile). This variant is not present in population databases (gnomAD no frequency). This variant has not been reported in the literature in individuals affected with L1CAM-related conditions. Advanced modeling of protein sequence and biophysical properties (such as structural, functional, and spatial information, amino acid conservation, physicochemical variation, residue mobility, and thermodynamic stability) performed at Invitae indicates that this missense variant is not expected to disrupt L1CAM protein function. In summary, the available evidence is currently insufficient to determine the role of this variant in disease. Therefore, it has been classified as a Variant of Uncertain Significance.